The following is an entry in ClinVar:

NM_015466.4(PTPN23):c.4837G>C (p.Gly1613Arg)

Gene: PTPN23 (protein tyrosine phosphatase non-receptor type 23; plus strand). Cytogenetic location: 3p21.31.
Variant type: single nucleotide variant.
Coding change: c.4837G>C on transcript NM_015466.4 (MANE Select); coding-DNA position 4837, G replaced by C.
Protein change: p.Gly1613Arg; replaces glycine 1613 with arginine.
Molecular consequence: missense variant.
Genome position (GRCh38, 1-based): chr3:47,413,111, G>C. VCF-style: chr3-47413111-G-C. GRCh37 (hg19) VCF-style: chr3-47454601-G-C.
Other names: c.4459G>C, p.Gly1487Arg (NM_001304482.2); short protein forms G1613R, G1487R.
Identifiers: ClinVar variation 1517167 (VCV001517167.8), dbSNP rs1371303914, ClinGen allele CA352569193.

ClinVar aggregate classification (germline): Uncertain significance (1 of 4 stars; one submission).

Allele frequency attached by ClinVar (database versions not stated): gnomAD exomes below 0.00001; TOPMed below 0.00001; gnomAD 0.00001.
gnomAD v4.1: 5 of 1,612,788 alleles (0.00031%); highest among the groups gnomAD compares: Non-Finnish European, 0.00034%; no homozygotes.

Submission:

Labcorp Genetics (formerly Invitae), Labcorp
Classification: Uncertain significance. Last evaluated: 2024-10-29. Review status: criteria provided, single submitter. Criteria: Invitae Variant Classification Sherloc (09022015). Collection method: clinical testing. Allele origin: germline.
Comment: This sequence change replaces glycine, which is neutral and non-polar, with arginine, which is basic and polar, at codon 1613 of the PTPN23 protein (p.Gly1613Arg). This variant is present in population databases (no rsID available, gnomAD 0.007%). This variant has not been reported in the literature in individuals affected with PTPN23-related conditions. ClinVar contains an entry for this variant (Variation ID: 1517167). Experimental studies and prediction algorithms are not available or were not evaluated, and the functional significance of this variant is currently unknown. In summary, the available evidence is currently insufficient to determine the role of this variant in disease. Therefore, it has been classified as a Variant of Uncertain Significance.